The following is an entry in ClinVar:

NM_014112.5(TRPS1):c.2880del (p.Arg961fs)

Gene: TRPS1 (transcriptional repressor GATA binding 1; minus strand). Cytogenetic location: 8q23.3.
Variant type: Deletion.
Coding change: c.2880del on transcript NM_014112.5 (MANE Select); coding-DNA position 2880, one base deleted (G; older notation c.2880delG).
Protein change: p.Arg961fs; shifts the reading frame from arginine 961.
Molecular consequence: frameshift variant.
Genome position (GRCh38, 1-based): chr8:115,415,028, C deleted on the plus strand (G on the coding strand, the reverse complement: TRPS1 is on the minus strand); the first of 2 consecutive C bases (chr8:115,415,028-115,415,029); deleting either gives the same sequence. VCF-style (leftmost placement, unchanged base first): chr8-115415027-TC-T. GRCh37 (hg19) VCF-style: chr8-116427255-TC-T.
Other names: c.2853del, p.Arg952fs (NM_001282902.3); c.2859del, p.Arg954fs (NM_001282903.3); c.2841del, p.Arg948fs (NM_001330599.2); c.2880delG (NM_014112.4); short protein forms R954fs, R948fs, R952fs, R961fs.
Identifiers: ClinVar variation 660864 (VCV000660864.7), dbSNP rs1586250578, ClinGen allele CA915948827.
Genomic context (GRCh38, chr8:115,415,027, plus strand): 5'-TCTGCTGTTTGTTGAGCTGCTCAGCCTGAAGTGCCTCTGGGTTAAGGCGCTTTCTTGTTC[TC>T]CTCCTAATAATCTGCTCACCGTTGTTTTGTTTAATGATGTTTAAAGGCCTGGGAGTCTGC-3'

ClinVar aggregate classification (germline): Pathogenic (1 of 4 stars; one submission).

Conditions:
Trichorhinophalangeal dysplasia type I (TRPS1). Also called: TRICHORHINOPHALANGEAL SYNDROME, TYPE I; TRPS I. Identifiers: Orphanet 77258, MedGen C0432233, MONDO:0008596, OMIM 190350.
Trichorhinophalangeal syndrome, type III (TRPS3). Also called: SUGIO-KAJII SYNDROME. Identifiers: Orphanet 77258, MedGen C1860823, OMIM 190351, MONDO:0008597.

Submission:

Labcorp Genetics (formerly Invitae), Labcorp
Classification: Pathogenic for Trichorhinophalangeal syndrome, type III; Trichorhinophalangeal dysplasia type I. Last evaluated: 2025-06-24. Review status: criteria provided, single submitter. Criteria: Invitae Variant Classification Sherloc (09022015). Collection method: clinical testing. Allele origin: germline.
Comment: This sequence change creates a premature translational stop signal (p.Arg961Glufs*33) in the TRPS1 gene. While this is not anticipated to result in nonsense mediated decay, it is expected to disrupt the last 334 amino acid(s) of the TRPS1 protein. This variant is not present in population databases (gnomAD no frequency). This variant has not been reported in the literature in individuals affected with TRPS1-related conditions. ClinVar contains an entry for this variant (Variation ID: 660864). This variant disrupts a region of the TRPS1 protein in which other variant(s) (p.Tyr1017*) have been determined to be pathogenic (PMID: 11112658). This suggests that this is a clinically significant region of the protein, and that variants that disrupt it are likely to be disease-causing. For these reasons, this variant has been classified as Pathogenic.

Literature cited by the submitters: PubMed 11112658.